The following is an entry in ClinVar:

ClinVar aggregate classification (germline): Uncertain significance (1 of 4 stars; one submission).

Conditions:
Tuberous sclerosis 2 (TSC2). Identifiers: Orphanet 805, MedGen C1860707, MONDO:0013199, OMIM 613254.

Submission:

Labcorp Genetics (formerly Invitae), Labcorp
Classification: Uncertain significance for Tuberous sclerosis 2. Last evaluated: 2020-09-30. Review status: criteria provided, single submitter. Criteria: Invitae Variant Classification Sherloc (09022015). Collection method: clinical testing. Allele origin: germline.
Comment: This variant has not been reported in the literature in individuals with TSC2-related conditions. Advanced modeling of protein sequence and biophysical properties (such as structural, functional, and spatial information, amino acid conservation, physicochemical variation, residue mobility, and thermodynamic stability) performed at Invitae indicates that this missense variant is not expected to disrupt TSC2 protein function. In summary, the available evidence is currently insufficient to determine the role of this variant in disease. Therefore, it has been classified as a Variant of Uncertain Significance. This sequence change replaces serine with cysteine at codon 1220 of the TSC2 protein (p.Ser1220Cys). The serine residue is highly conserved and there is a moderate physicochemical difference between serine and cysteine. This variant is not present in population databases (ExAC no frequency).

NM_000548.5(TSC2):c.3659C>G (p.Ser1220Cys)

Gene: TSC2 (TSC complex subunit 2; plus strand). Cytogenetic location: 16p13.3.
Variant type: single nucleotide variant.
Coding change: c.3659C>G on transcript NM_000548.5 (MANE Select); coding-DNA position 3659, C replaced by G.
Protein change: p.Ser1220Cys; replaces serine 1220 with cysteine.
Molecular consequence: missense variant.
Genome position (GRCh38, 1-based): chr16:2,081,643, C>G. VCF-style: chr16-2081643-C-G. GRCh37 (hg19) VCF-style: chr16-2131644-C-G.
Other names: c.3527C>G, p.Ser1176Cys (NM_001077183.3, NM_001370404.1); c.3659C>G, p.Ser1220Cys (NM_001114382.3); c.3419C>G, p.Ser1140Cys (NM_001318827.2); c.3383C>G, p.Ser1128Cys (NM_001318829.2); c.2927C>G, p.Ser976Cys (NM_001318831.2); c.3560C>G, p.Ser1187Cys (NM_001318832.2); c.3530C>G, p.Ser1177Cys (NM_001363528.2, NM_001370405.1, NM_021055.3); short protein forms S1128C, S1140C, S1176C, S1177C, S1187C, S1220C, S976C.
Identifiers: ClinVar variation 1003068 (VCV001003068.8), dbSNP rs2090155420, ClinGen allele CA394292072.
Genomic context (GRCh38, chr16:2,081,643, plus strand): 5'-CCGCCTCCGCAGGGAACACCAGCTGGCTGATGAGCCTGGAGAACCCGCTCAGCCCTTTCT[C>G]CTCGGACATCAACAACATGCCCCTGCAGGAGCTGTCTAACGCCCTCATGGCGGCTGAGCG-3'
Protein context (NP_000539.2, residues 1210-1230): MSLENPLSPF[Ser1220Cys]SDINNMPLQE